The following is an entry in ClinVar:

NM_007294.4(BRCA1):c.4860del (p.Asp1621fs)

Gene: BRCA1 (BRCA1 DNA repair associated; minus strand). Cytogenetic location: 17q21.31.
Variant type: Deletion.
Coding change: c.4860del on transcript NM_007294.4 (MANE Select); coding-DNA position 4860, one base deleted (T; older notation c.4860delT).
Protein change: p.Asp1621fs; shifts the reading frame from aspartic acid 1621.
Molecular consequence: frameshift variant. On other transcripts: intron variant (1).
Genome position (GRCh38, 1-based): chr17:43,071,054, A deleted on the plus strand (T on the coding strand, the reverse complement: BRCA1 is on the minus strand). VCF-style (leftmost placement, unchanged base first): chr17-43071053-CA-C. GRCh37 (hg19) VCF-style: chr17-41223070-CA-C.
Other names: c.4716del, p.Asp1573fs (NM_001407744.1, NM_001407745.1, NM_001407746.1 and 21 more transcripts); c.4713del, p.Asp1572fs (NM_001407838.1, NM_001407839.1, NM_001407841.1 and 12 more transcripts); c.4647del, p.Asp1550fs (NM_001407571.1, NM_001407894.1, NM_001407895.1 and 12 more transcripts); c.4926del, p.Asp1643fs (NM_001407581.1, NM_001407582.1); c.4923del, p.Asp1642fs (NM_001407583.1, NM_001407585.1, NM_001407587.1 and 1 more transcripts); c.4920del, p.Asp1641fs (NM_001407590.1, NM_001407591.1); c.4860del, p.Asp1621fs (NM_001407593.1, NM_001407594.1, NM_001407596.1 and 8 more transcripts); c.4857del, p.Asp1620fs (NM_001407610.1, NM_001407611.1, NM_001407612.1 and 17 more transcripts); and 71 more; short protein forms D1452fs, D1492fs, D1494fs, D1509fs, D1510fs, D1554fs, D1572fs, D1574fs.
Identifiers: ClinVar variation 4722717 (VCV004722717.1).

ClinVar aggregate classification (germline): Pathogenic (1 of 4 stars; one submission).

Conditions:
Hereditary breast ovarian cancer syndrome. Also called: Hereditary breast and ovarian cancer syndrome; Hereditary breast and ovarian cancer syndrome (HBOC); Breast and ovarian cancer; BRCA1- and BRCA2-Associated Hereditary Breast and Ovarian Cancer; Hereditary breast and/or ovarian cancer syndrome; Hereditary breast and ovarian cancer. Identifiers: Orphanet 145, MedGen C0677776, MeSH D061325, MONDO:0003582. Disease mechanism: loss of function.

Submission:

Labcorp Genetics (formerly Invitae), Labcorp
Classification: Pathogenic for Hereditary breast ovarian cancer syndrome. Last evaluated: 2025-07-06. Review status: criteria provided, single submitter. Criteria: Invitae Variant Classification Sherloc (09022015). Collection method: clinical testing. Allele origin: germline.
Comment: This sequence change creates a premature translational stop signal (p.Asp1621Ilefs*12) in the BRCA1 gene. It is expected to result in an absent or disrupted protein product. Loss-of-function variants in BRCA1 are known to be pathogenic (PMID: 20104584). This variant is not present in population databases (gnomAD no frequency). This variant has not been reported in the literature in individuals affected with BRCA1-related conditions. For these reasons, this variant has been classified as Pathogenic.

Literature cited by the submitters: PubMed 20104584.